The following is an entry in ClinVar:

ClinVar aggregate classification (germline): Uncertain significance (1 of 4 stars; one submission).

Submission:

GeneDx
Classification: Uncertain significance. Last evaluated: 2026-02-06. Review status: criteria provided, single submitter. Criteria: GeneDx Variant Classification Process June 2021. Collection method: clinical testing. Allele origin: germline.
Comment: Not observed at significant frequency in large population cohorts (gnomAD); In silico analysis suggests that this missense variant does not alter protein structure/function; Has not been previously published as pathogenic or benign to our knowledge

NM_001008537.3(NEXMIF):c.88G>A (p.Asp30Asn)

Gene: NEXMIF (neurite extension and migration factor; minus strand). Cytogenetic location: Xq13.3.
Variant type: single nucleotide variant.
Coding change: c.88G>A on transcript NM_001008537.3 (MANE Select); coding-DNA position 88, G replaced by A.
Protein change: p.Asp30Asn; replaces aspartic acid 30 with asparagine.
Molecular consequence: missense variant.
Genome position (GRCh38, 1-based): chrX:74,744,469, C>T on the plus strand (G>A on the coding strand, the complement: NEXMIF is on the minus strand). VCF-style: chrX-74744469-C-T. GRCh37 (hg19) VCF-style: chrX-73964304-C-T.
Other names: short protein forms D30N.
Identifiers: ClinVar variation 4685080 (VCV004685080.2).